The following is an entry in ClinVar:

ClinVar aggregate classification (germline): Uncertain significance. Review status: criteria provided, multiple submitters, no conflicts (2 of 4 stars). 3 submissions from 3 submitters: Uncertain significance (3). Last evaluated 2023-09-20.

Conditions:
Inborn genetic diseases. Identifiers: MedGen C0950123, MeSH D030342.

gnomAD v4.1: 4 of 1,613,992 alleles (0.00025%); highest among the groups gnomAD compares: Non-Finnish European, 0.00034%; no homozygotes.

Submissions (3):

Ambry Genetics
Classification: Uncertain significance for Inborn genetic diseases. Last evaluated: 2023-09-20. Review status: criteria provided, single submitter. Criteria: Ambry Variant Classification Scheme 2023. Collection method: clinical testing. Allele origin: germline.

Genetic Services Laboratory, University of Chicago
Classification: Uncertain significance. Last evaluated: 2016-06-28. Review status: criteria provided, single submitter. Criteria: ACMG Guidelines, 2015. Collection method: clinical testing. Allele origin: germline. Affected: no.

GeneDx
Classification: Uncertain significance. Last evaluated: 2016-05-09. Review status: criteria provided, single submitter. Criteria: GeneDx Variant Classification (06012015). Collection method: clinical testing. Allele origin: germline. Affected: yes.
Comment: The Lys571Arg missense change has not been published as a mutation, nor has it been reported as a benign polymorphism to our knowledge. It was not observed in approximately 6,000 individuals of European and African American ancestry in the NHLBI Exome Sequencing Project, indicating it is not a common benign variant in these populations. This variant is a conservative substitution of one positively charged amino acid for another at a position in the Laminin G-like 3 domain that is conserved across species. In silico analysis is inconsistent with regard to the effect this variant may have on the protein structure/function. Therefore, based on the currently available information, it is unclear whether Lys571Arg is a disease-causing mutation or a rare benign variant. The variant is found in CHILD-EPI panel(s).

NM_001330078.2(NRXN1):c.1592A>G (p.Lys531Arg)

Gene: NRXN1 (neurexin 1; minus strand). Cytogenetic location: 2p16.3.
Variant type: single nucleotide variant.
Coding change: c.1592A>G on transcript NM_001330078.2 (MANE Select); coding-DNA position 1592, A replaced by G.
Protein change: p.Lys531Arg; replaces lysine 531 with arginine.
Molecular consequence: missense variant.
Genome position (GRCh38, 1-based): chr2:50,552,754, T>C on the plus strand (A>G on the coding strand, the complement: NRXN1 is on the minus strand). VCF-style: chr2-50552754-T-C. GRCh37 (hg19) VCF-style: chr2-50779892-T-C.
Other names: p.K571R:AAG>AGG; c.1712A>G, p.Lys571Arg (NM_001135659.3); c.1568A>G, p.Lys523Arg (NM_001330077.2, NM_001330082.2, NM_001330095.2); c.1553A>G, p.Lys518Arg (NM_001330083.2, NM_001330084.2); c.1592A>G, p.Lys531Arg (NM_001330085.2, NM_001330086.2, NM_004801.6); c.1508A>G, p.Lys503Arg (NM_001330087.2, NM_001330096.2); c.1538A>G, p.Lys513Arg (NM_001330088.2); c.1589A>G, p.Lys530Arg (NM_001330093.2); and 1 more; short protein forms K571R, K527R, K530R, K503R, K518R, K523R, K513R, K531R.
Identifiers: ClinVar variation 206222 (VCV000206222.8), dbSNP rs796052769, ClinGen allele CA316093.